The following is an entry in ClinVar:

NM_004456.5(EZH2):c.1459G>A (p.Ala487Thr)

Gene: EZH2 (enhancer of zeste 2 polycomb repressive complex 2 subunit; minus strand). Cytogenetic location: 7q36.1.
Variant type: single nucleotide variant.
Coding change: c.1459G>A on transcript NM_004456.5 (MANE Select); coding-DNA position 1459, G replaced by A.
Protein change: p.Ala487Thr; replaces alanine 487 with threonine.
Molecular consequence: missense variant.
Genome position (GRCh38, 1-based): chr7:148,816,730, C>T on the plus strand (G>A on the coding strand, the complement: EZH2 is on the minus strand). VCF-style: chr7-148816730-C-T. GRCh37 (hg19) VCF-style: chr7-148513822-C-T.
Other names: c.1444G>A, p.Ala482Thr (NM_001203247.2); c.1417G>A, p.Ala473Thr (NM_001203248.2, NM_001203249.2); c.1327G>A, p.Ala443Thr (NM_152998.3); short protein forms A487T, A443T, A473T, A482T.
Identifiers: ClinVar variation 134222 (VCV000134222.27), dbSNP rs201135441, ClinGen allele CA159189.

ClinVar aggregate classification (germline): Benign/Likely benign. Review status: criteria provided, multiple submitters, no conflicts (2 of 4 stars). 4 submissions from 4 submitters: Benign (1); Likely benign (2). 1 of the submissions does not count toward it. Last evaluated 2025-12-22.

Conditions:
Weaver syndrome (WVS). Also called: Weaver Smith syndrome; Overgrowth syndrome with accelerated skeletal maturation, unusual facies, and camptodactyly. Identifiers: Orphanet 3447, MedGen C0265210, MONDO:0010193, OMIM 277590.

Allele frequency attached by ClinVar (database versions not stated): gnomAD 0.00002 and 0.00023; TOPMed 0.00007; ESP Exome Variant Server 0.00008; gnomAD exomes 0.00051 and 0.00113; 1000 Genomes Project 0.00120; ExAC 0.00122; 1000 Genomes Project 30x 0.00141.
gnomAD v4.1: 780 of 1,614,098 alleles (0.048%); highest among the groups gnomAD compares: South Asian, 0.8%; 9 homozygotes.

Submissions (4):

Labcorp Genetics (formerly Invitae), Labcorp
Classification: Benign for Weaver syndrome. Last evaluated: 2025-12-22. Review status: criteria provided, single submitter. Criteria: Invitae Variant Classification Sherloc (09022015). Collection method: clinical testing. Allele origin: germline.

CeGaT Center for Human Genetics Tuebingen
Classification: Likely benign. Last evaluated: 2024-12-01. Review status: criteria provided, single submitter. Criteria: CeGaT Center For Human Genetics Tuebingen Variant Classification Criteria Version 2. Collection method: clinical testing. Allele origin: germline. Affected: yes. Observed: 1 variant allele.
Comment: EZH2: BP4, BS1

Blueprint Genetics
Classification: Likely benign. Last evaluated: 2023-05-03. Review status: criteria provided, single submitter. Criteria: ACMG Guidelines, 2015. Collection method: clinical testing. Allele origin: germline.

ITMI
No classification provided. Condition: AllHighlyPenetrant. Last evaluated: 2013-09-19. Review status: no classification provided. Collection method: reference population. Allele origin: germline. Not counted in ClinVar's aggregate classification.
Comment: Please see associated publication for description of ethnicities

Literature cited by the submitters: PubMed 24728327 (cited by ITMI).